The following is an entry in ClinVar:

NM_003105.6(SORL1):c.5808_5889+2delinsG

Gene: SORL1 (sortilin related receptor 1; plus strand). Cytogenetic location: 11q24.1.
Variant type: Indel.
Coding change: c.5808_5889+2delinsG on transcript NM_003105.6 (MANE Select); coding-DNA position 5808 through the canonical splice donor site of the intron after coding-DNA position 5889, the reference bases replaced by G.
Molecular consequence: splice donor variant.
Genome position (GRCh38, 1-based): chr11:121,619,836-121,619,919, 84 bases replaced. GRCh37 (hg19): chr11:121,490,545-121,490,628.
Identifiers: ClinVar variation 4732725 (VCV004732725.1).

ClinVar aggregate classification (germline): Likely pathogenic (1 of 4 stars; one submission).

Submission:

Labcorp Genetics (formerly Invitae), Labcorp
Classification: Likely pathogenic. Last evaluated: 2025-12-08. Review status: criteria provided, single submitter. Criteria: Invitae Variant Classification Sherloc (09022015). Collection method: clinical testing. Allele origin: germline.
Comment: This variant results in the deletion of part of exon 43 (c.5808_5889+2delinsG) of the SORL1 gene. It is expected to disrupt RNA splicing. Variants that disrupt the donor or acceptor splice site typically lead to a loss of protein function (PMID: 16199547), and loss-of-function variants in SORL1 are known to be pathogenic (PMID: 26303663, 27026413). This variant is not present in population databases (gnomAD no frequency). This variant has not been reported in the literature in individuals affected with SORL1-related conditions. In summary, the currently available evidence indicates that the variant is pathogenic, but additional data are needed to prove that conclusively. Therefore, this variant has been classified as Likely Pathogenic.

Literature cited by the submitters: PubMed 16199547; PubMed 26303663; PubMed 27026413.